The following is an entry in ClinVar:

ClinVar aggregate classification (germline): Uncertain significance (1 of 4 stars; one submission).

Conditions:
Fanconi anemia (FA). Also called: Fanconi's anemia. Identifiers: Orphanet 84, MedGen C0015625, MeSH D005199, MONDO:0019391.

Submission:

Labcorp Genetics (formerly Invitae), Labcorp
Classification: Uncertain significance for Fanconi anemia. Last evaluated: 2025-11-05. Review status: criteria provided, single submitter. Criteria: Invitae Variant Classification Sherloc (09022015). Collection method: clinical testing. Allele origin: germline.
Comment: This sequence change replaces serine, which is neutral and polar, with arginine, which is basic and polar, at codon 828 of the FANCI protein (p.Ser828Arg). This variant is not present in population databases (gnomAD no frequency). This variant has not been reported in the literature in individuals affected with FANCI-related conditions. An algorithm developed to predict the effect of missense changes on protein structure and function (PolyPhen-2) suggests that this variant is likely to be disruptive. In summary, the available evidence is currently insufficient to determine the role of this variant in disease. Therefore, it has been classified as a Variant of Uncertain Significance.

NM_001113378.2(FANCI):c.2484C>A (p.Ser828Arg)

Gene: FANCI (FA complementation group I; plus strand). Cytogenetic location: 15q26.1.
Variant type: single nucleotide variant.
Coding change: c.2484C>A on transcript NM_001113378.2 (MANE Select); coding-DNA position 2484, C replaced by A.
Protein change: p.Ser828Arg; replaces serine 828 with arginine.
Molecular consequence: missense variant. On other transcripts: intron variant (1).
Genome position (GRCh38, 1-based): chr15:89,294,942, C>A. VCF-style: chr15-89294942-C-A. GRCh37 (hg19) VCF-style: chr15-89838173-C-A.
Other names: c.2205C>A, p.Ser735Arg (NM_001376910.1); c.2484C>A, p.Ser828Arg (NM_001376911.1); c.2456+945C>A (NM_018193.3); short protein forms S735R, S828R.
Identifiers: ClinVar variation 4730606 (VCV004730606.1).